The following is an entry in ClinVar:

NM_014915.3(ANKRD26):c.5115G>T (p.Lys1705Asn)

Gene: ANKRD26 (ankyrin repeat domain 26; minus strand). Cytogenetic location: 10p12.1.
Variant type: single nucleotide variant.
Coding change: c.5115G>T on transcript NM_014915.3 (MANE Select); coding-DNA position 5115, G replaced by T.
Protein change: p.Lys1705Asn; replaces lysine 1705 with asparagine.
Molecular consequence: missense variant.
Genome position (GRCh38, 1-based): chr10:27,005,608, C>A on the plus strand (G>T on the coding strand, the complement: ANKRD26 is on the minus strand). VCF-style: chr10-27005608-C-A. GRCh37 (hg19) VCF-style: chr10-27294537-C-A.
Other names: c.5112G>T, p.Lys1704Asn (NM_001256053.2); short protein forms K1704N, K1705N.
Identifiers: ClinVar variation 3912725 (VCV003912725.2).

ClinVar aggregate classification (germline): Uncertain significance. Review status: criteria provided, multiple submitters, no conflicts (2 of 4 stars). 2 submissions from 2 submitters: Uncertain significance (2). Last evaluated 2025-04-04.

Conditions:
Inborn genetic diseases. Identifiers: MedGen C0950123, MeSH D030342.

gnomAD v4.1: 30 of 1,611,446 alleles (0.0019%); highest among the groups gnomAD compares: Non-Finnish European, 0.0025%; no homozygotes.

Submissions (2):

Ambry Genetics
Classification: Uncertain significance for Inborn genetic diseases. Last evaluated: 2025-04-04. Review status: criteria provided, single submitter. Criteria: Ambry Variant Classification Scheme 2023. Collection method: clinical testing. Allele origin: germline.
Comment: The p.K1705N variant (also known as c.5115G>T), located in coding exon 34 of the ANKRD26 gene, results from a G to T substitution at nucleotide position 5115. The lysine at codon 1705 is replaced by asparagine, an amino acid with similar properties. This amino acid position is conserved. In addition, this alteration is predicted to be tolerated by in silico analysis. Based on the available evidence, the clinical significance of this variant remains unclear.

Labcorp Genetics (formerly Invitae), Labcorp
Classification: Uncertain significance. Last evaluated: 2025-02-25. Review status: criteria provided, single submitter. Criteria: Invitae Variant Classification Sherloc (09022015). Collection method: clinical testing. Allele origin: germline.
Comment: This sequence change replaces lysine, which is basic and polar, with asparagine, which is neutral and polar, at codon 1705 of the ANKRD26 protein (p.Lys1705Asn). This variant is not present in population databases (gnomAD no frequency). This variant has not been reported in the literature in individuals affected with ANKRD26-related conditions. An algorithm developed to predict the effect of missense changes on protein structure and function outputs the following: PolyPhen-2: "Benign". The asparagine amino acid residue is found in multiple mammalian species, which suggests that this missense change does not adversely affect protein function. In summary, the available evidence is currently insufficient to determine the role of this variant in disease. Therefore, it has been classified as a Variant of Uncertain Significance.